The following is an entry in ClinVar:

NM_000383.4(AIRE):c.1367G>A (p.Arg456His)

Gene: AIRE (autoimmune regulator; plus strand). Cytogenetic location: 21q22.3.
Variant type: single nucleotide variant.
Coding change: c.1367G>A on transcript NM_000383.4 (MANE Select); coding-DNA position 1367, G replaced by A.
Protein change: p.Arg456His; replaces arginine 456 with histidine.
Molecular consequence: missense variant.
Genome position (GRCh38, 1-based): chr21:44,293,877, G>A. VCF-style: chr21-44293877-G-A. GRCh37 (hg19) VCF-style: chr21-45713760-G-A.
Other names: c.1367G>A (NM_000383.2); short protein forms R456H.
Identifiers: ClinVar variation 971203 (VCV000971203.10), dbSNP rs554954634, ClinGen allele CA10052075.

ClinVar aggregate classification (germline): Uncertain significance. Review status: criteria provided, multiple submitters, no conflicts (2 of 4 stars). 3 submissions from 3 submitters: Uncertain significance (2). 1 of the submissions does not count toward it. Last evaluated 2025-08-02.

Conditions:
Inborn genetic diseases. Identifiers: MedGen C0950123, MeSH D030342.
Polyglandular autoimmune syndrome, type 1 (APS1). Also called: PGA I; Autoimmune polyendocrinopathy syndrome , type I, with or without reversible metaphyseal dysplasia; Autoimmune polyendocrine syndrome type 1; HYPOADRENOCORTICISM WITH HYPOPARATHYROIDISM AND SUPERFICIAL MONILIASIS; Autoimmune polyendocrinopathy syndrome, type I; Whitaker syndrome. Identifiers: Orphanet 3453, MedGen C0085859, MONDO:0009411, OMIM 240300.

Allele frequency attached by ClinVar (database versions not stated): gnomAD 0.00005; gnomAD exomes 0.00005; TOPMed 0.00006; 1000 Genomes Project 30x 0.00016; 1000 Genomes Project 0.00020.

Submissions (3):

Ambry Genetics
Classification: Uncertain significance for Inborn genetic diseases. Last evaluated: 2025-08-02. Review status: criteria provided, single submitter. Criteria: Ambry Variant Classification Scheme 2023. Collection method: clinical testing. Allele origin: germline.

Labcorp Genetics (formerly Invitae), Labcorp
Classification: Uncertain significance for Polyglandular autoimmune syndrome, type 1. Last evaluated: 2024-12-24. Review status: criteria provided, single submitter. Criteria: Invitae Variant Classification Sherloc (09022015). Collection method: clinical testing. Allele origin: germline.
Comment: This sequence change replaces arginine, which is basic and polar, with histidine, which is basic and polar, at codon 456 of the AIRE protein (p.Arg456His). This variant is present in population databases (rs554954634, gnomAD 0.01%). This variant has not been reported in the literature in individuals affected with AIRE-related conditions. ClinVar contains an entry for this variant (Variation ID: 971203). Invitae Evidence Modeling of protein sequence and biophysical properties (such as structural, functional, and spatial information, amino acid conservation, physicochemical variation, residue mobility, and thermodynamic stability) indicates that this missense variant is not expected to disrupt AIRE protein function with a negative predictive value of 95%. In summary, the available evidence is currently insufficient to determine the role of this variant in disease. Therefore, it has been classified as a Variant of Uncertain Significance.

Natera, Inc.
Classification: Uncertain significance for Polyglandular autoimmune syndrome type 1. Last evaluated: 2020-03-19. Review status: no assertion criteria provided. Collection method: clinical testing. Allele origin: germline. Not counted in ClinVar's aggregate classification.